The following is an entry in ClinVar:

ClinVar aggregate classification (germline): Likely pathogenic (1 of 4 stars; one submission).

Conditions:
Hereditary hyperinsulinism.

Submission:

Natera, Inc.
Classification: Likely pathogenic for Hereditary hyperinsulinism. Last evaluated: 2025-12-17. Review status: criteria provided, single submitter. Criteria: Natera Variant Classification Schema (03/2026). Collection method: clinical testing. Allele origin: germline.
Comment: The c.3444_3445delCT variant in ABCC8 is a frameshift variant predicted to shift the reading frame beginning at codon 1150 and leads to a stop codon 43 codons downstream. This variant is expected to result in nonsense mediated decay, truncation, or a dysfunctional protein product. This variant is rare in the general population with a frequency below the threshold expected for the associated phenotype(s). Given the available evidence, this variant is classified as Likely Pathogenic.

NM_000352.6(ABCC8):c.3444_3445del (p.Val1150fs)

Gene: ABCC8 (ATP binding cassette subfamily C member 8; minus strand). Cytogenetic location: 11p15.1.
Variant type: Microsatellite.
Coding change: c.3444_3445del on transcript NM_000352.6 (MANE Select); coding-DNA positions 3444 to 3445, 2 bases deleted (CT; older notation c.3444_3445delCT).
Protein change: p.Val1150fs; shifts the reading frame from valine 1150.
Molecular consequence: frameshift variant. On other transcripts: non-coding transcript variant (1).
Genome position (GRCh38, 1-based): chr11:17,404,624-17,404,625, AG deleted on the plus strand (CT on the coding strand, the reverse complement: ABCC8 is on the minus strand); deleting any 2 consecutive bases within chr11:17,404,624-17,404,627 gives the same sequence; the c. name uses the placement nearest the transcript's 3' end. VCF-style (leftmost placement, unchanged base first): chr11-17404623-CAG-C. GRCh37 (hg19) VCF-style: chr11-17426170-CAG-C.
Other names: c.3447_3448del, p.Val1151fs (NM_001287174.3); c.3510_3511del, p.Val1172fs (NM_001351295.2); c.3444_3445del, p.Val1150fs (NM_001351296.2); c.3441_3442del, p.Val1149fs (NM_001351297.2); short protein forms V1149fs, V1150fs, V1151fs, V1172fs.
Identifiers: ClinVar variation 4818249 (VCV004818249.1).